The following is an entry in ClinVar:

ClinVar aggregate classification (germline): Uncertain significance (1 of 4 stars; one submission).

Submission:

GeneDx
Classification: Uncertain significance. Last evaluated: 2025-02-05. Review status: criteria provided, single submitter. Criteria: GeneDx Variant Classification Process June 2021. Collection method: clinical testing. Allele origin: germline. Affected: yes.
Comment: Not observed at significant frequency in large population cohorts (gnomAD); In silico analysis indicates that this missense variant does not alter protein structure/function; Has not been previously published as pathogenic or benign to our knowledge

NM_003128.3(SPTBN1):c.1846A>G (p.Met616Val)

Gene: SPTBN1 (spectrin beta, non-erythrocytic 1; plus strand). Cytogenetic location: 2p16.2.
Variant type: single nucleotide variant.
Coding change: c.1846A>G on transcript NM_003128.3 (MANE Select); coding-DNA position 1846, A replaced by G.
Protein change: p.Met616Val; replaces methionine 616 with valine.
Molecular consequence: missense variant.
Genome position (GRCh38, 1-based): chr2:54,628,980, A>G. VCF-style: chr2-54628980-A-G. GRCh37 (hg19) VCF-style: chr2-54856117-A-G.
Other names: c.1807A>G, p.Met603Val (NM_178313.3); short protein forms M603V, M616V.
Identifiers: ClinVar variation 4074618 (VCV004074618.1).